The following is an entry in ClinVar:

ClinVar aggregate classification (germline): Uncertain significance. Review status: criteria provided, multiple submitters, no conflicts (2 of 4 stars). 4 submissions from 4 submitters: Uncertain significance (4). Last evaluated 2026-02-09.

Conditions:
TTN-related disorder. Also called: TTN-related disorders; TTN-related condition; TTN-related disease.
Cardiovascular phenotype. Identifiers: MedGen CN230736.
Distal myopathy. Identifiers: Orphanet 599, MedGen C0751336, MONDO:0018949.

Allele frequency attached by ClinVar (database versions not stated): gnomAD 0.00001; TOPMed 0.00002; gnomAD exomes 0.00003.
gnomAD v4.1: 41 of 1,613,238 alleles (0.0025%); highest among the groups gnomAD compares: Non-Finnish European, 0.0032%; no homozygotes.

Submissions (4):

GeneDx
Classification: Uncertain significance. Last evaluated: 2026-02-09. Review status: criteria provided, single submitter. Criteria: GeneDx Variant Classification Process June 2021. Collection method: clinical testing. Allele origin: germline.
Comment: Not observed at significant frequency in large population cohorts (gnomAD); Missense variant in a gene in which most reported pathogenic variants are truncating/loss of function; Has not been previously published as pathogenic or benign to our knowledge

PreventionGenetics, part of Exact Sciences
Classification: Uncertain significance for TTN-related condition. Last evaluated: 2025-09-04. Review status: criteria provided, single submitter. Criteria: ACMG Guidelines, 2015. Collection method: clinical testing. Allele origin: germline.
Comment: The TTN c.62867T>C variant is predicted to result in the amino acid substitution p.Ile20956Thr. To our knowledge, this variant has not been reported in the literature. This variant is reported in 0.00089% of alleles in individuals of European (Non-Finnish) descent in gnomAD. At this time, the clinical significance of this variant is uncertain due to the absence of conclusive functional and genetic evidence.

Ambry Genetics
Classification: Uncertain significance for Cardiovascular phenotype. Last evaluated: 2020-07-15. Review status: criteria provided, single submitter. Criteria: Ambry Variant Classification Scheme 2023. Collection method: clinical testing. Allele origin: germline.
Comment: The p.I11891T variant (also known as c.35672T>C), located in coding exon 131 of the TTN gene, results from a T to C substitution at nucleotide position 35672. The isoleucine at codon 11891 is replaced by threonine, an amino acid with similar properties. This amino acid position is not well conserved in available vertebrate species, and threonine is the reference amino acid in other vertebrate species. In addition, this alteration is predicted to be tolerated by in silico analysis. Since supporting evidence is limited at this time, the clinical significance of this alteration remains unclear.

Cambridge Genomics Laboratory, East Genomic Laboratory Hub, NHS Genomic Medicine Service
Classification: Uncertain significance for Distal myopathy. Last evaluated: 2019-05-16. Review status: criteria provided, single submitter. Criteria: ACGS Best Practice Guidelines for Variant Classification in Rare Disease 2020. Collection method: clinical testing. Allele origin: germline. Affected: yes. Observed: 1 variant allele.

NM_001267550.2(TTN):c.62867T>C (p.Ile20956Thr)

Genes: TTN (titin; minus strand), TTN-AS1 (TTN antisense RNA 1; plus strand). Cytogenetic location: 2q31.2.
Variant type: single nucleotide variant.
Coding change: c.62867T>C on transcript NM_001267550.2 (MANE Select); coding-DNA position 62867, T replaced by C.
Protein change: p.Ile20956Thr; replaces isoleucine 20956 with threonine.
Molecular consequence: missense variant.
Genome position (GRCh38, 1-based): chr2:178,588,858, A>G on the plus strand (T>C on the coding strand, the complement: TTN is on the minus strand). VCF-style: chr2-178588858-A-G. GRCh37 (hg19) VCF-style: chr2-179453585-A-G.
Other names: c.57944T>C, p.Ile19315Thr (NM_001256850.1); c.35672T>C, p.Ile11891Thr (NM_003319.4); c.55163T>C, p.Ile18388Thr (NM_133378.4); c.36047T>C, p.Ile12016Thr (NM_133432.3); c.36248T>C, p.Ile12083Thr (NM_133437.4); short protein forms I18388T, I11891T, I12083T, I12016T, I19315T, I20956T.
Identifiers: ClinVar variation 1732748 (VCV001732748.5), dbSNP rs758926314, ClinGen allele CA60966694.